The following is an entry in ClinVar:

ClinVar aggregate classification (germline): Uncertain significance (1 of 4 stars; one submission).

Submission:

GeneDx
Classification: Uncertain significance. Last evaluated: 2024-08-23. Review status: criteria provided, single submitter. Criteria: GeneDx Variant Classification Process June 2021. Collection method: clinical testing. Allele origin: germline. Affected: yes.
Comment: Not observed at significant frequency in large population cohorts (gnomAD); Has not been previously published as pathogenic or benign to our knowledge; Frameshift variant predicted to result in protein truncation or nonsense mediated decay in a gene for which loss-of-function is not an established mechanism of disease

NM_001281740.3(FHOD3):c.3580del (p.Ile1194fs)

Gene: FHOD3 (formin homology 2 domain containing 3; plus strand). Cytogenetic location: 18q12.2.
Variant type: Deletion.
Coding change: c.3580del on transcript NM_001281740.3 (MANE Select); coding-DNA position 3580, one base deleted (A; older notation c.3580delA).
Protein change: p.Ile1194fs; shifts the reading frame from isoleucine 1194.
Molecular consequence: frameshift variant.
Genome position (GRCh38, 1-based): chr18:36,740,659, A deleted; the last of 4 consecutive A bases (chr18:36,740,656-36,740,659); deleting any one gives the same sequence. VCF-style (leftmost placement, unchanged base first): chr18-36740655-GA-G. GRCh37 (hg19) VCF-style: chr18-34320618-GA-G.
Other names: c.3004del, p.Ile1002fs (NM_001281739.3); c.3055del, p.Ile1019fs (NM_025135.5); short protein forms I1002fs, I1019fs, I1194fs.
Identifiers: ClinVar variation 3766260 (VCV003766260.1).
Genomic context (GRCh38, chr18:36,740,655, plus strand): 5'-GAAGGGACAGGGGAGGGTCCATCACTAAGAGAAAATATACTATATCATCTCCTATTTCCA[GA>G]AAATTCTAACGATGATTCCCACCGATGAGGAGAAGCAGAAAATCCAGGAAGCTCAGCTGG-3'